The following is an entry in ClinVar:

NM_000026.4(ADSL):c.1448G>A (p.Cys483Tyr)

Gene: ADSL (adenylosuccinate lyase; plus strand). Cytogenetic location: 22q13.1.
Variant type: single nucleotide variant.
Coding change: c.1448G>A on transcript NM_000026.4 (MANE Select); coding-DNA position 1448, G replaced by A.
Protein change: p.Cys483Tyr; replaces cysteine 483 with tyrosine.
Molecular consequence: missense variant. On other transcripts: non-coding transcript variant (1), intron variant (1).
Genome position (GRCh38, 1-based): chr22:40,366,515, G>A. VCF-style: chr22-40366515-G-A. GRCh37 (hg19) VCF-style: chr22-40762519-G-A.
Other names: c.1271G>A, p.Cys424Tyr (NM_001123378.3); c.1256G>A, p.Cys419Tyr (NM_001317923.2); c.1431+17G>A (NM_001363840.3); short protein forms C424Y, C483Y, C419Y.
Identifiers: ClinVar variation 1393137 (VCV001393137.6), dbSNP rs371242331, ClinGen allele CA324461771.
Genomic context (GRCh38, chr22:40,366,515, plus strand): 5'-AGGAGGTGTATCCCCTGTTAAAACCATATGAAAGCGTGATGAAGGTGAAAGCAGAATTAT[G>A]TCTGTAGAGTTGGAAGAGAATTAAACGAAAATCATTGTTAATTGCTGAGGCATGAAAATT-3'
Protein context (NP_000017.1, residues 473-484): ESVMKVKAEL[Cys483Tyr]L

ClinVar aggregate classification (germline): Uncertain significance (1 of 4 stars; one submission).

Conditions:
Adenylosuccinate lyase deficiency (ADSLD). Also called: ADSL DEFICIENCY. Identifiers: Orphanet 46, MedGen C0268126, MONDO:0007068, OMIM 103050.

Allele frequency attached by ClinVar (database versions not stated): gnomAD exomes below 0.00001; TOPMed below 0.00001; ESP Exome Variant Server 0.00008.
gnomAD v4.1: 1 of 1,608,412 alleles (0.000062%); highest among the groups gnomAD compares: Non-Finnish European, 0.000085%; no homozygotes.

Submission:

Labcorp Genetics (formerly Invitae), Labcorp
Classification: Uncertain significance for Adenylosuccinate lyase deficiency. Last evaluated: 2023-11-01. Review status: criteria provided, single submitter. Criteria: Invitae Variant Classification Sherloc (09022015). Collection method: clinical testing. Allele origin: germline.
Comment: This sequence change replaces cysteine, which is neutral and slightly polar, with tyrosine, which is neutral and polar, at codon 483 of the ADSL protein (p.Cys483Tyr). This variant is not present in population databases (gnomAD no frequency). This variant has not been reported in the literature in individuals affected with ADSL-related conditions. ClinVar contains an entry for this variant (Variation ID: 1393137). Advanced modeling of protein sequence and biophysical properties (such as structural, functional, and spatial information, amino acid conservation, physicochemical variation, residue mobility, and thermodynamic stability) performed at Invitae indicates that this missense variant is not expected to disrupt ADSL protein function with a negative predictive value of 95%. In summary, the available evidence is currently insufficient to determine the role of this variant in disease. Therefore, it has been classified as a Variant of Uncertain Significance.